The following is an entry in ClinVar:

ClinVar aggregate classification (germline): Uncertain significance (1 of 4 stars; one submission).

Conditions:
Retinitis pigmentosa 12 (RP12). Also called: RP WITH OR WITHOUT PRESERVED PARAARTERIOLE RETINAL PIGMENT EPITHELIUM; RETINITIS PIGMENTOSA WITH OR WITHOUT PARAARTERIOLAR PRESERVATION OF RETINAL PIGMENT EPITHELIUM; RP WITH OR WITHOUT PPRPE. Identifiers: Orphanet 791, MedGen C1838647, MONDO:0010818, OMIM 600105.
Leber congenital amaurosis 8 (LCA8). Identifiers: Orphanet 65, MedGen C3151202, MONDO:0013453, OMIM 613835.

gnomAD v4.1: 3 of 1,614,092 alleles (0.00019%); highest among the groups gnomAD compares: South Asian, 0.0011%; no homozygotes.

Submission:

Labcorp Genetics (formerly Invitae), Labcorp
Classification: Uncertain significance for Leber congenital amaurosis 8; Retinitis pigmentosa 12. Last evaluated: 2021-12-23. Review status: criteria provided, single submitter. Criteria: Invitae Variant Classification Sherloc (09022015). Collection method: clinical testing. Allele origin: germline.
Comment: This sequence change replaces glycine, which is neutral and non-polar, with serine, which is neutral and polar, at codon 1310 of the CRB1 protein (p.Gly1310Ser). This variant is not present in population databases (gnomAD no frequency). This variant has not been reported in the literature in individuals affected with CRB1-related conditions. Advanced modeling of protein sequence and biophysical properties (such as structural, functional, and spatial information, amino acid conservation, physicochemical variation, residue mobility, and thermodynamic stability) performed at Invitae indicates that this missense variant is expected to disrupt CRB1 protein function. Algorithms developed to predict the effect of sequence changes on RNA splicing suggest that this variant may create or strengthen a splice site. In summary, the available evidence is currently insufficient to determine the role of this variant in disease. Therefore, it has been classified as a Variant of Uncertain Significance.

NM_201253.3(CRB1):c.3928G>A (p.Gly1310Ser)

Gene: CRB1 (crumbs cell polarity complex component 1; plus strand). Cytogenetic location: 1q31.3.
Variant type: single nucleotide variant.
Coding change: c.3928G>A on transcript NM_201253.3 (MANE Select); coding-DNA position 3928, G replaced by A.
Protein change: p.Gly1310Ser; replaces glycine 1310 with serine.
Molecular consequence: missense variant. On other transcripts: non-coding transcript variant (2).
Genome position (GRCh38, 1-based): chr1:197,442,215, G>A. VCF-style: chr1-197442215-G-A. GRCh37 (hg19) VCF-style: chr1-197411345-G-A.
Other names: c.3592G>A, p.Gly1198Ser (NM_001193640.2); c.3856G>A, p.Gly1286Ser (NM_001257965.2); c.2320G>A, p.Gly774Ser (NM_001257966.2); short protein forms G1286S, G1198S, G1310S, G774S.
Identifiers: ClinVar variation 1383709 (VCV001383709.5), dbSNP rs1411240510, ClinGen allele CA344052552.
Genomic context (GRCh38, chr1:197,442,215, plus strand): 5'-TTATTTTGAAGGTGTGAAAAGGACATTGATGAGTGTGCCTCTGATCCGTGTGTCAATGGA[G>A]GTCTGTGCCAGGACTTACTCAACAAATTCCAGTGCCTCTGTGATGTTGCCTTTGCTGGCG-3'
Protein context (NP_957705.1, residues 1300-1320): ECASDPCVNG[Gly1310Ser]LCQDLLNKFQ